The following is an entry in ClinVar:

NM_032620.4(GTPBP3):c.542A>G (p.Asp181Gly)

Gene: GTPBP3 (GTP binding protein 3, mitochondrial; plus strand). Cytogenetic location: 19p13.11.
Variant type: single nucleotide variant.
Coding change: c.542A>G on transcript NM_032620.4 (MANE Select); coding-DNA position 542, A replaced by G.
Protein change: p.Asp181Gly; replaces aspartic acid 181 with glycine.
Molecular consequence: missense variant.
Genome position (GRCh38, 1-based): chr19:17,338,692, A>G. VCF-style: chr19-17338692-A-G. GRCh37 (hg19) VCF-style: chr19-17449501-A-G.
Other names: c.542A>G, p.Asp181Gly (NM_001128855.3, NM_133644.4); c.608A>G, p.Asp203Gly (NM_001195422.1); short protein forms D181G, D203G.
Identifiers: ClinVar variation 1951129 (VCV001951129.2), dbSNP rs1256313545, ClinGen allele CA404734378.
Genomic context (GRCh38, chr19:17,338,692, plus strand): 5'-TGGCGGACCTTATCCACGCGGAAACAGAGGCGCAGCGGCGGCAGGCCCTCAGGCAGCTGG[A>G]CGGAGAGCTGGGCCACCTCTGCCGTGGCTGGGCCGAGACCCTCACCAAAGCAAGTCCCCC-3'
Protein context (NP_116009.2, residues 171-191): AQRRQALRQL[Asp181Gly]GELGHLCRGW

ClinVar aggregate classification (germline): Uncertain significance (1 of 4 stars; one submission).

Allele frequency attached by ClinVar (database versions not stated): TOPMed below 0.00001; gnomAD 0.00001; gnomAD exomes 0.00002.
gnomAD v4.1: 26 of 1,613,416 alleles (0.0016%); highest among the groups gnomAD compares: Non-Finnish European, 0.0021%; no homozygotes.

Submission:

Labcorp Genetics (formerly Invitae), Labcorp
Classification: Uncertain significance. Last evaluated: 2022-01-16. Review status: criteria provided, single submitter. Criteria: Invitae Variant Classification Sherloc (09022015). Collection method: clinical testing. Allele origin: germline.
Comment: This sequence change replaces aspartic acid, which is acidic and polar, with glycine, which is neutral and non-polar, at codon 181 of the GTPBP3 protein (p.Asp181Gly). This variant is not present in population databases (gnomAD no frequency). This variant has not been reported in the literature in individuals affected with GTPBP3-related conditions. Algorithms developed to predict the effect of missense changes on protein structure and function (SIFT, PolyPhen-2, Align-GVGD) all suggest that this variant is likely to be tolerated. In summary, the available evidence is currently insufficient to determine the role of this variant in disease. Therefore, it has been classified as a Variant of Uncertain Significance.